The following is an entry in ClinVar:

NM_020822.3(KCNT1):c.2108C>T (p.Ser703Leu)

Gene: KCNT1 (potassium sodium-activated channel subfamily T member 1; plus strand). Cytogenetic location: 9q34.3.
Variant type: single nucleotide variant.
Coding change: c.2108C>T on transcript NM_020822.3 (MANE Select); coding-DNA position 2108, C replaced by T.
Protein change: p.Ser703Leu; replaces serine 703 with leucine.
Molecular consequence: missense variant.
Genome position (GRCh38, 1-based): chr9:135,772,814, C>T. VCF-style: chr9-135772814-C-T. GRCh37 (hg19) VCF-style: chr9-138664660-C-T.
Other names: c.1973C>T, p.Ser658Leu (NM_001272003.2); short protein forms S658L, S703L.
Identifiers: ClinVar variation 2952966 (VCV002952966.3), dbSNP rs761540434, ClinGen allele CA5327186.

ClinVar aggregate classification (germline): Uncertain significance (1 of 4 stars; one submission).

Conditions:
Autosomal dominant nocturnal frontal lobe epilepsy 5. Also called: Epilepsy, nocturnal frontal lobe, 5; KCNT1-Related Epilepsy; CILIARY DYSKINESIA, PRIMARY, 28, WITHOUT SITUS INVERSUS; CILIARY DYSKINESIA, PRIMARY, 28, WITH SITUS INVERSUS. Identifiers: Orphanet 98784, MedGen C3554306, MONDO:0014002, OMIM 615005.
Developmental and epileptic encephalopathy, 14 (DEE14). Also called: Early infantile epileptic encephalopathy 14. Identifiers: Orphanet 293181, MedGen C3554195, MONDO:0013989, OMIM 614959.

Allele frequency attached by ClinVar (database versions not stated): gnomAD 0.00001; ExAC 0.00027.
gnomAD v4.1: 14 of 1,517,026 alleles (0.00092%); highest among the groups gnomAD compares: Middle Eastern, 0.017%; no homozygotes.

Submission:

Labcorp Genetics (formerly Invitae), Labcorp
Classification: Uncertain significance for Autosomal dominant nocturnal frontal lobe epilepsy 5; Developmental and epileptic encephalopathy, 14. Last evaluated: 2022-12-15. Review status: criteria provided, single submitter. Criteria: Invitae Variant Classification Sherloc (09022015). Collection method: clinical testing. Allele origin: germline.
Comment: This sequence change replaces serine, which is neutral and polar, with leucine, which is neutral and non-polar, at codon 703 of the KCNT1 protein (p.Ser703Leu). The frequency data for this variant in the population databases is considered unreliable, as metrics indicate poor data quality at this position in the gnomAD database. This variant has not been reported in the literature in individuals affected with KCNT1-related conditions. Advanced modeling of protein sequence and biophysical properties (such as structural, functional, and spatial information, amino acid conservation, physicochemical variation, residue mobility, and thermodynamic stability) performed at Invitae indicates that this missense variant is not expected to disrupt KCNT1 protein function. In summary, the available evidence is currently insufficient to determine the role of this variant in disease. Therefore, it has been classified as a Variant of Uncertain Significance.